The following is an entry in ClinVar:

NM_000478.6(ALPL):c.982T>C (p.Phe328Leu)

Gene: ALPL (alkaline phosphatase, biomineralization associated; plus strand). Cytogenetic location: 1p36.12.
Variant type: single nucleotide variant.
Coding change: c.982T>C on transcript NM_000478.6 (MANE Select); coding-DNA position 982, T replaced by C.
Protein change: p.Phe328Leu; replaces phenylalanine 328 with leucine.
Molecular consequence: missense variant.
Genome position (GRCh38, 1-based): chr1:21,573,784, T>C. VCF-style: chr1-21573784-T-C. GRCh37 (hg19) VCF-style: chr1-21900277-T-C.
Other names: c.817T>C, p.Phe273Leu (NM_001127501.4); c.751T>C, p.Phe251Leu (NM_001177520.3); c.982T>C, p.Phe328Leu (NM_001369803.2, NM_001369804.2, NM_001369805.2); short protein forms F251L, F273L, F328L.
Identifiers: ClinVar variation 4086850 (VCV004086850.1).

ClinVar aggregate classification (germline): Likely pathogenic (1 of 4 stars; one submission).

Conditions:
Hypophosphatasia. Also called: Phosphoethanol-aminuria. Identifiers: Orphanet 436, MedGen C0020630, MeSH D007014, MONDO:0018570.

Submission:

Genomenon, Inc
Classification: Likely pathogenic for Hypophosphatasia. Last evaluated: 2025-08-29. Review status: criteria provided, single submitter. Criteria: Genomenon Sequence Variant Interpretation Standards. Collection method: curation. Allele origin: germline. Affected: yes.
Comment: ALPL c.982T>C is a missense variant that changes the amino acid at residue 328 from Phenylalanine to Leucine. This variant has been observed in at least one proband affected with hypophosphatasia (PMID:15660230). At least one functional study has demonstrated a substantial alteration in protein function relative to the wild-type (PMID:15660230). This variant has been described as Phe311Leu in the literature. It is absent or not present at a significant frequency in gnomAD. In silico models agree that this variant is possibly or probably damaging. In conclusion, we classify ALPL p.Phe328Leu (c.982T>C) as a likely pathogenic variant.

Literature cited by the submitters: PubMed 15660230.